The following is an entry in ClinVar:

NM_001007228.2(SPOP):c.565G>T (p.Glu189Ter)

Gene: SPOP (speckle type BTB/POZ protein; minus strand). Cytogenetic location: 17q21.33.
Variant type: single nucleotide variant.
Coding change: c.565G>T on transcript NM_001007228.2 (MANE Select); coding-DNA position 565, G replaced by T.
Protein change: p.Glu189Ter; replaces glutamic acid 189 with a stop codon.
Molecular consequence: nonsense.
Genome position (GRCh38, 1-based): chr17:49,611,373, C>A on the plus strand (G>T on the coding strand, the complement: SPOP is on the minus strand). VCF-style: chr17-49611373-C-A. GRCh37 (hg19) VCF-style: chr17-47688735-C-A.
Other names: c.565G>T, p.Glu189Ter (NM_001007226.1, NM_001007227.1, NM_001007229.1 and 5 more transcripts); short protein forms E189*.
Identifiers: ClinVar variation 1677201 (VCV001677201.1), dbSNP rs2143193766, ClinGen allele CA400156289.
Genomic context (GRCh38, chr17:49,611,373, plus strand): 5'-GGCCGGCAACACACAAGCAGCAGTCTGTGAACCGGGAATTCTCCCACAGTCCTCCTAACT[C>A]ATCTGCCAGCCGGCACTCAGGAACCTTTACCATGTTCATGGTATTCTGGCCAGAAATGTT-3'

ClinVar aggregate classification (germline): Uncertain significance (1 of 4 stars; one submission).

Submission:

Women's Health and Genetics/Laboratory Corporation of America, LabCorp
Classification: Uncertain significance. Last evaluated: 2022-03-28. Review status: criteria provided, single submitter. Criteria: LabCorp Variant Classification Summary - May 2015. Collection method: clinical testing. Allele origin: germline.
Comment: Variant summary: SPOP c.565G>T (p.Glu189X) results in a premature termination codon, predicted to cause a truncation of the encoded protein or absence of the protein due to nonsense mediated decay. To our knowledge, truncations in this gene have not been reported previously (HGMD). The variant was absent in 251284 control chromosomes. To our knowledge, no occurrence of c.565G>T in individuals affected with Neurodevelopmental Disorder With Relative Macrocephaly And With Or Without Cardiac Or Endocrine Anomalies and no experimental evidence demonstrating its impact on protein function have been reported. No clinical diagnostic laboratories have submitted clinical-significance assessments for this variant to ClinVar after 2014. Based on the evidence outlined above, the variant was classified as VUS.